The following is an entry in ClinVar:

ClinVar aggregate classification (germline): Uncertain significance (1 of 4 stars; one submission).

Conditions:
Hereditary spastic paraplegia 46. Also called: Spastic paraplegia 46, autosomal recessive. Identifiers: Orphanet 320391, MedGen C2828721, MONDO:0013737, OMIM 614409.

gnomAD v4.1: 49 of 1,552,358 alleles (0.0032%); highest among the groups gnomAD compares: Admixed American, 0.0084%; no homozygotes.

Submission:

3billion
Classification: Uncertain significance for Hereditary spastic paraplegia 46. Last evaluated: 2024-07-30. Review status: criteria provided, single submitter. Criteria: ACMG Guidelines, 2015. Collection method: clinical testing. Allele origin: germline. Affected: yes.
Comment: The variant is observed at an extremely low frequency in the gnomAD v4.0.0 dataset (total allele frequency: 0.003%). Predicted Consequence/Location: Intron variant In silico tools predict the variant to alter splicing and produce an abnormal transcript [SpliceAI: 0.46 (>=0.2, moderate evidence for spliceogenicity)]. Therefore, this variant is classified as VUS according to the recommendation of ACMG/AMP guideline.

NM_020944.3(GBA2):c.1027-37G>A

Gene: GBA2 (glucosylceramidase beta 2; minus strand). Cytogenetic location: 9p13.3.
Variant type: single nucleotide variant.
Coding change: c.1027-37G>A on transcript NM_020944.3 (MANE Select); 37 bases into the intron before coding-DNA position 1027, G replaced by A.
Molecular consequence: intron variant.
Genome position (GRCh38, 1-based): chr9:35,740,665, C>T on the plus strand (G>A on the coding strand, the complement: GBA2 is on the minus strand). VCF-style: chr9-35740665-C-T. GRCh37 (hg19) VCF-style: chr9-35740662-C-T.
Other names: c.1027-37G>A (NM_001330660.2).
Identifiers: ClinVar variation 4293313 (VCV004293313.1).